The following is an entry in ClinVar:

ClinVar aggregate classification (germline): Uncertain significance (1 of 4 stars; one submission).

Conditions:
Inborn genetic diseases. Identifiers: MedGen C0950123, MeSH D030342.

Submission:

Ambry Genetics
Classification: Uncertain significance for Inborn genetic diseases. Last evaluated: 2025-06-01. Review status: criteria provided, single submitter. Criteria: Ambry Variant Classification Scheme 2023. Collection method: clinical testing. Allele origin: germline.
Comment: The p.G755E variant (also known as c.2264G>A), located in coding exon 25 of the FANCA gene, results from a G to A substitution at nucleotide position 2264. The glycine at codon 755 is replaced by glutamic acid, an amino acid with similar properties. This amino acid position is conserved. In addition, this alteration is predicted to be deleterious by in silico analysis. Based on the available evidence, the clinical significance of this variant remains unclear.

NM_000135.4(FANCA):c.2264G>A (p.Gly755Glu)

Gene: FANCA (FA complementation group A; minus strand). Cytogenetic location: 16q24.3.
Variant type: single nucleotide variant.
Coding change: c.2264G>A on transcript NM_000135.4 (MANE Select); coding-DNA position 2264, G replaced by A.
Protein change: p.Gly755Glu; replaces glycine 755 with glutamic acid.
Molecular consequence: missense variant.
Genome position (GRCh38, 1-based): chr16:89,770,218, C>T on the plus strand (G>A on the coding strand, the complement: FANCA is on the minus strand). VCF-style: chr16-89770218-C-T. GRCh37 (hg19) VCF-style: chr16-89836626-C-T.
Other names: c.2264G>A, p.Gly755Glu (NM_001286167.3); short protein forms G755E.
Identifiers: ClinVar variation 4022344 (VCV004022344.1).
Genomic context (GRCh38, chr16:89,770,218, plus strand): 5'-AGCCTCACCTGGTGACGGAGCAGCTGGCAGAGCCGGGTGAGCACTGCAGGGAGCACACGT[C>T]CACACATGGTCCTCACGAAGAGGGCAGCCCAGGGACCCTGCCTGCAGAGACAGCCGTGAA-3'
Protein context (NP_000126.2, residues 745-765): WAALFVRTMC[Gly755Glu]RVLPAVLTRL